The following is an entry in ClinVar:

NM_001849.4(COL6A2):c.801+2dup

Gene: COL6A2 (collagen type VI alpha 2 chain; plus strand). Cytogenetic location: 21q22.3.
Variant type: Duplication.
Coding change: c.801+2dup on transcript NM_001849.4 (MANE Select); the canonical splice donor site of the intron after coding-DNA position 801, one base duplicated (T; older notation c.801+2dupT).
Molecular consequence: splice donor variant.
Genome position (GRCh38, 1-based): chr21:46,114,075, T duplicated. VCF-style (leftmost placement, unchanged base first): chr21-46114074-G-GT. GRCh37 (hg19) VCF-style: chr21-47533988-G-GT.
Other names: c.801+2dup (NM_058175.3, NM_058174.3).
Identifiers: ClinVar variation 1471860 (VCV001471860.8), dbSNP rs2123620848, ClinGen allele CA2573157639.

ClinVar aggregate classification (germline): Uncertain significance. Review status: criteria provided, multiple submitters, no conflicts (2 of 4 stars). 2 submissions from 2 submitters: Uncertain significance (2). Last evaluated 2022-05-25.

Conditions:
Bethlem myopathy 1A. Also called: Bethlem myopathy 1; Bethlem Muscular Dystrophy; MYOPATHY, BENIGN CONGENITAL, WITH CONTRACTURES. Identifiers: Orphanet 610, MedGen CN029274, MONDO:0024530, OMIM 158810.

Submissions (2):

Revvity Omics, Revvity
Classification: Uncertain significance. Last evaluated: 2022-05-25. Review status: criteria provided, single submitter. Criteria: ACMG Guidelines, 2015. Collection method: clinical testing. Allele origin: germline.

Labcorp Genetics (formerly Invitae), Labcorp
Classification: Uncertain significance for Bethlem myopathy 1A. Last evaluated: 2021-01-12. Review status: criteria provided, single submitter. Criteria: Invitae Variant Classification Sherloc (09022015). Collection method: clinical testing. Allele origin: germline.
Comment: In summary, the available evidence is currently insufficient to determine the role of this variant in disease. Therefore, it has been classified as a Variant of Uncertain Significance. Nucleotide substitutions within the consensus splice site are a relatively common cause of aberrant splicing (PMID: 17576681, 9536098). Algorithms developed to predict the effect of sequence changes on RNA splicing suggest that this variant may disrupt the consensus splice site, but this prediction has not been confirmed by published transcriptional studies. This variant has not been reported in the literature in individuals with COL6A2-related conditions. This variant is not present in population databases (ExAC no frequency). This sequence change falls in intron 5 of the COL6A2 gene. It does not directly change the encoded amino acid sequence of the COL6A2 protein. It affects a nucleotide within the consensus splice site of the intron.

Literature cited by the submitters: PubMed 17576681 (cited by Labcorp Genetics (formerly Invitae), Labcorp); PubMed 9536098 (cited by Labcorp Genetics (formerly Invitae), Labcorp).